The following is an entry in ClinVar:

ClinVar aggregate classification (germline): Uncertain significance (1 of 4 stars; one submission).

gnomAD v4.1: 2 of 1,614,216 alleles (0.00012%); highest among the groups gnomAD compares: Non-Finnish European, 0.00017%; no homozygotes.

Submission:

Women's Health and Genetics/Laboratory Corporation of America, LabCorp
Classification: Uncertain significance. Last evaluated: 2025-02-20. Review status: criteria provided, single submitter. Criteria: LabCorp Variant Classification Summary - May 2015. Collection method: clinical testing. Allele origin: germline.
Comment: Variant summary: DNMT1 c.847A>G (p.Arg283Gly) results in a non-conservative amino acid change in the encoded protein sequence. Four of five in-silico tools predict a benign effect of the variant on protein function. The variant allele was found at a frequency of 4e-06 in 251494 control chromosomes. The available data on variant occurrences in the general population are insufficient to allow any conclusion about variant significance. To our knowledge, no occurrence of c.847A>G in individuals affected with Autosomal dominant cerebellar ataxia, deafness and narcolepsy and no experimental evidence demonstrating its impact on protein function have been reported. No submitters have cited clinical-significance assessments for this variant to ClinVar. Based on the evidence outlined above, the variant was classified as uncertain significance.

NM_001130823.3(DNMT1):c.847A>G (p.Arg283Gly)

Gene: DNMT1 (DNA methyltransferase 1; minus strand). Cytogenetic location: 19p13.2.
Variant type: single nucleotide variant.
Coding change: c.847A>G on transcript NM_001130823.3 (MANE Select); coding-DNA position 847, A replaced by G.
Protein change: p.Arg283Gly; replaces arginine 283 with glycine.
Molecular consequence: missense variant.
Genome position (GRCh38, 1-based): chr19:10,166,642, T>C on the plus strand (A>G on the coding strand, the complement: DNMT1 is on the minus strand). VCF-style: chr19-10166642-T-C. GRCh37 (hg19) VCF-style: chr19-10277318-T-C.
Other names: c.799A>G, p.Arg267Gly (NM_001318730.2, NM_001379.4); c.484A>G, p.Arg162Gly (NM_001318731.2); short protein forms R162G, R267G, R283G.
Identifiers: ClinVar variation 3768914 (VCV003768914.1).
Genomic context (GRCh38, chr19:10,166,642, plus strand): 5'-AATAACCCGCCTTTACTTTCTCGTCTCCATCTTCGTCCTCGTCAGCCTGCACGCCTGCCC[T>C]GGCTTCTCTGTCCGGCTCCTCCTTCAGTTTCTGTTTGGGTGTTCTGTCACAGAAGACAAC-3'
Protein context (NP_001124295.1, residues 273-293): KLKEEPDREA[Arg283Gly]AGVQADEDED